The following is an entry in ClinVar:

ClinVar aggregate classification (germline): Conflicting classifications of pathogenicity. Review status: criteria provided, conflicting classifications (1 of 4 stars). 4 submissions from 4 submitters: Pathogenic (1); Uncertain significance (3). Last evaluated 2026-05-06.

Conditions:
Hereditary cancer-predisposing syndrome. Also called: Tumor predisposition; Hereditary Cancer Syndrome; Hereditary neoplastic syndrome; Neoplastic Syndromes, Hereditary. Identifiers: Orphanet 140162, MedGen C0027672, MeSH D009386, MONDO:0015356.

Submissions (4):

Ambry Genetics
Classification: Pathogenic for Hereditary cancer-predisposing syndrome. Last evaluated: 2026-05-06. Review status: criteria provided, single submitter. Criteria: Ambry Variant Classification Scheme 2023. Collection method: clinical testing. Allele origin: germline.
Comment: The p.I262R pathogenic mutation (also known as c.785T>G), located in coding exon 6 of the FH gene, results from a T to G substitution at nucleotide position 785. This variant was reported in multiple individuals with features consistent with FH-related tumor predisposition (external communication; Ambry internal data). The isoleucine at codon 262 is replaced by arginine, an amino acid with similar properties. This amino acid position is well conserved in available vertebrate species. In addition, this alteration is predicted to be deleterious by in silico analysis. This variant is also predicted to be destabilizing to the protein structure (Ambry internal data). This variant is considered to be rare based on population cohorts in the Genome Aggregation Database (gnomAD). Based on the supporting evidence, this variant is interpreted as a disease-causing mutation.

Labcorp Genetics (formerly Invitae), Labcorp
Classification: Uncertain significance. Last evaluated: 2026-02-01. Review status: criteria provided, single submitter. Criteria: Invitae Variant Classification Sherloc (09022015). Collection method: clinical testing. Allele origin: germline.
Comment: This sequence change replaces isoleucine, which is neutral and non-polar, with arginine, which is basic and polar, at codon 262 of the FH protein (p.Ile262Arg). This variant is not present in population databases (gnomAD no frequency). This variant has not been reported in the literature in individuals affected with FH-related conditions. ClinVar contains an entry for this variant (Variation ID: 186733). Invitae Evidence Modeling of protein sequence and biophysical properties (such as structural, functional, and spatial information, amino acid conservation, physicochemical variation, residue mobility, and thermodynamic stability) indicates that this missense variant is expected to disrupt FH protein function with a positive predictive value of 95%. In summary, the available evidence is currently insufficient to determine the role of this variant in disease. Therefore, it has been classified as a Variant of Uncertain Significance.

Quest Diagnostics Nichols Institute San Juan Capistrano
Classification: Uncertain significance. Last evaluated: 2025-01-16. Review status: criteria provided, single submitter. Criteria: Quest Diagnostics criteria. Collection method: clinical testing. Allele origin: unknown.
Comment: The FH c.785T>G (p.Ile262Arg) variant has been identified in individuals affected with cutaneous leiomyomas and/or uterine fibroids (Ambry Genetics, GeneDx, personal communication regarding ClinVar ID: 186733). This variant has not been reported in individuals with FH-related conditions in the published literature. It also has not been reported in large, multi-ethnic general populations (Genome Aggregation Database). Analysis of this variant using bioinformatics tools for the prediction of the effect of amino acid changes on protein structure and function yielded predictions that this variant is damaging. Based on the available information, we are unable to determine the clinical significance of this variant.

GeneDx
Classification: Uncertain significance. Last evaluated: 2019-07-31. Review status: criteria provided, single submitter. Criteria: GeneDx Variant Classification Process June 2021. Collection method: clinical testing. Allele origin: germline. Affected: yes.
Comment: Not observed in large population cohorts (Lek et al., 2016); In silico analysis, which includes protein predictors and evolutionary conservation, supports a deleterious effect; Has not been previously published as pathogenic or benign to our knowledge

NM_000143.4(FH):c.785T>G (p.Ile262Arg)

Gene: FH (fumarate hydratase; minus strand). Cytogenetic location: 1q43.
Variant type: single nucleotide variant.
Coding change: c.785T>G on transcript NM_000143.4 (MANE Select); coding-DNA position 785, T replaced by G.
Protein change: p.Ile262Arg; replaces isoleucine 262 with arginine.
Molecular consequence: missense variant.
Genome position (GRCh38, 1-based): chr1:241,506,122, A>C on the plus strand (T>G on the coding strand, the complement: FH is on the minus strand). VCF-style: chr1-241506122-A-C. GRCh37 (hg19) VCF-style: chr1-241669422-A-C.
Other names: short protein forms I262R.
Identifiers: ClinVar variation 186733 (VCV000186733.19), dbSNP rs786203177, ClinGen allele CA195695.
Genomic context (GRCh38, chr1:241,506,122, plus strand): 5'-CCTGTACCAACAGCAGTGCCTCCAGCTGCGAGCTCATAGATTCTTGGCATGGCAGCTTTT[A>C]TTCTTGTCATTGCATATTTTACTTGTTGAACATAACCACTAAATTCCTGAAAAGAAAAGA-3'
Protein context (NP_000134.2, residues 252-272): VQQVKYAMTR[Ile262Arg]KAAMPRIYEL